The following is an entry in ClinVar:

ClinVar aggregate classification (germline): Pathogenic (1 of 4 stars; one submission).

Submission:

GeneDx
Classification: Pathogenic. Last evaluated: 2017-12-28. Review status: criteria provided, single submitter. Criteria: GeneDx Variant Classification (06012015). Collection method: clinical testing. Allele origin: germline. Affected: yes.
Comment: The c.548delG variant in the NR0B1 gene has been reported previously as c.544delG using alternate nomenclature in association with X-linked congenital adrenal hypoplasia (Peter et al., 1998). The deletion causes a frameshift starting with codon Glycine 183, changes this amino acid to a Valine residue and creates a premature Stop codon at position 81 of the new reading frame, denoted p.Gly183ValfsX81. This variant is predicted to cause loss of normal protein function either through protein truncation or nonsense-mediated mRNA decay. The variant is not observed in large population cohorts (Lek et al., 2016). In summary, we consider the variant to be pathogenic.

NM_000475.5(NR0B1):c.548del (p.Gly183fs)

Gene: NR0B1 (nuclear receptor subfamily 0 group B member 1; minus strand). Cytogenetic location: Xp21.2.
Variant type: Deletion.
Coding change: c.548del on transcript NM_000475.5 (MANE Select); coding-DNA position 548, one base deleted (G; older notation c.548delG).
Protein change: p.Gly183fs; shifts the reading frame from glycine 183.
Molecular consequence: frameshift variant.
Genome position (GRCh38, 1-based): chrX:30,308,816, C deleted on the plus strand (G on the coding strand, the reverse complement: NR0B1 is on the minus strand); the first of 5 consecutive C bases (chrX:30,308,816-30,308,820); deleting any one gives the same sequence. VCF-style (leftmost placement, unchanged base first): chrX-30308815-AC-A. GRCh37 (hg19) VCF-style: chrX-30326932-AC-A.
Other names: short protein forms G183fs.
Identifiers: ClinVar variation 503698 (VCV000503698.2), dbSNP rs1555973117, ClinGen allele CA658799651.
Genomic context (GRCh38, chrX:30,308,815, plus strand): 5'-ACCGCAAAAGCAGCAGCGGTACAGAAGCGCCGTGGCCCGCCCGCCTGGTAGCGCCTCTTT[AC>A]CCCCTGGCCTCTGCGCGAAGTAGGAGCGGTCCCACCACGCGCCCCCTGGCCGTGCCTCGG-3'